The following is an entry in ClinVar:

ClinVar aggregate classification (germline): Uncertain significance. Review status: criteria provided, multiple submitters, no conflicts (2 of 4 stars). 2 submissions from 2 submitters: Uncertain significance (2). Last evaluated 2025-10-10.

Conditions:
Hereditary cancer-predisposing syndrome. Also called: Neoplastic Syndromes, Hereditary; Tumor predisposition; Hereditary Cancer Syndrome; Hereditary neoplastic syndrome. Identifiers: Orphanet 140162, MedGen C0027672, MeSH D009386, MONDO:0015356.
Tuberous sclerosis 2 (TSC2). Identifiers: Orphanet 805, MedGen C1860707, MONDO:0013199, OMIM 613254.

Submissions (2):

Labcorp Genetics (formerly Invitae), Labcorp
Classification: Uncertain significance for Tuberous sclerosis 2. Last evaluated: 2025-10-10. Review status: criteria provided, single submitter. Criteria: Invitae Variant Classification Sherloc (09022015). Collection method: clinical testing. Allele origin: germline.
Comment: This sequence change replaces glycine, which is neutral and non-polar, with cysteine, which is neutral and slightly polar, at codon 1434 of the TSC2 protein (p.Gly1434Cys). This variant is not present in population databases (gnomAD no frequency). This variant has not been reported in the literature in individuals affected with TSC2-related conditions. ClinVar contains an entry for this variant (Variation ID: 535936). Invitae Evidence Modeling of protein sequence and biophysical properties (such as structural, functional, and spatial information, amino acid conservation, physicochemical variation, residue mobility, and thermodynamic stability) indicates that this missense variant is not expected to disrupt TSC2 protein function with a negative predictive value of 95%. In summary, the available evidence is currently insufficient to determine the role of this variant in disease. Therefore, it has been classified as a Variant of Uncertain Significance.

Ambry Genetics
Classification: Uncertain significance for Hereditary cancer-predisposing syndrome. Last evaluated: 2023-12-07. Review status: criteria provided, single submitter. Criteria: Ambry Variant Classification Scheme 2023. Collection method: clinical testing. Allele origin: germline.
Comment: The p.G1434C variant (also known as c.4300G>T), located in coding exon 33 of the TSC2 gene, results from a G to T substitution at nucleotide position 4300. The glycine at codon 1434 is replaced by cysteine, an amino acid with highly dissimilar properties. This amino acid position is conserved. In addition, the in silico prediction for this alteration is inconclusive. Since supporting evidence is limited at this time, the clinical significance of this alteration remains unclear.

NM_000548.5(TSC2):c.4300G>T (p.Gly1434Cys)

Gene: TSC2 (TSC complex subunit 2; plus strand). Cytogenetic location: 16p13.3.
Variant type: single nucleotide variant.
Coding change: c.4300G>T on transcript NM_000548.5 (MANE Select); coding-DNA position 4300, G replaced by T.
Protein change: p.Gly1434Cys; replaces glycine 1434 with cysteine.
Molecular consequence: missense variant.
Genome position (GRCh38, 1-based): chr16:2,084,522, G>T. VCF-style: chr16-2084522-G-T. GRCh37 (hg19) VCF-style: chr16-2134523-G-T.
Other names: c.4099G>T, p.Gly1367Cys (NM_001077183.3); c.4231G>T, p.Gly1411Cys (NM_001114382.3); c.3991G>T, p.Gly1331Cys (NM_001318827.2); c.3955G>T, p.Gly1319Cys (NM_001318829.2); c.3568G>T, p.Gly1190Cys (NM_001318831.2); c.4132G>T, p.Gly1378Cys (NM_001318832.2); c.4102G>T, p.Gly1368Cys (NM_001363528.2); c.4168G>T, p.Gly1390Cys (NM_001370404.1); and 1 more; short protein forms G1434C, G1190C, G1319C, G1331C, G1378C, G1390C, G1368C, G1391C.
Identifiers: ClinVar variation 535936 (VCV000535936.10), dbSNP rs1555514295, ClinGen allele CA394301107.